The following is an entry in ClinVar:

ClinVar aggregate classification (germline): Uncertain significance (1 of 4 stars; one submission).

Submission:

Labcorp Genetics (formerly Invitae), Labcorp
Classification: Uncertain significance. Last evaluated: 2025-01-30. Review status: criteria provided, single submitter. Criteria: Invitae Variant Classification Sherloc (09022015). Collection method: clinical testing. Allele origin: germline.
Comment: This sequence change affects codon 288 of the RPSA mRNA. It is a 'silent' change, meaning that it does not change the encoded amino acid sequence of the RPSA protein. This variant is not present in population databases (gnomAD no frequency). This variant has not been reported in the literature in individuals affected with RPSA-related conditions. Algorithms developed to predict the effect of sequence changes on RNA splicing suggest that this variant may disrupt the consensus splice site. In summary, the available evidence is currently insufficient to determine the role of this variant in disease. Therefore, it has been classified as a Variant of Uncertain Significance.

NM_002295.6(RPSA):c.864A>G (p.Val288=)

Gene: RPSA (ribosomal protein SA; plus strand). Cytogenetic location: 3p22.1.
Variant type: single nucleotide variant.
Coding change: c.864A>G on transcript NM_002295.6 (MANE Select); coding-DNA position 864, A replaced by G.
Protein change: p.Val288=; no amino-acid change (valine 288 retained).
Molecular consequence: synonymous variant.
Genome position (GRCh38, 1-based): chr3:39,412,344, A>G. VCF-style: chr3-39412344-A-G. GRCh37 (hg19) VCF-style: chr3-39453835-A-G.
Other names: c.879A>G, p.Val293= (NM_001304288.2).
Identifiers: ClinVar variation 4712065 (VCV004712065.1).
Genomic context (GRCh38, chr3:39,412,344, plus strand): 5'-CGCTCAGCCTGCCACGGAAGACTGGTCTGCAGCTCCCACTGCTCAGGCCACTGAATGGGT[A>G]GGAGCAACCACTGACTGGTCTTAAGCTGTTCTTGCATAGGCTCTTAAGCAGCATGGAAAA-3'
Protein context (NP_002286.2, residues 278-295): AAPTAQATEW[Val288=]GATTDWS